The following is an entry in ClinVar:

ClinVar aggregate classification (germline): Benign. Review status: criteria provided, single submitter (1 of 4 stars). 2 submissions from 2 submitters: Benign (1). 1 of the submissions does not count toward it. Last evaluated 2021-05-04.

Conditions:
BLTP1-related disorder. Also called: BLTP1-related condition.

Allele frequency attached by ClinVar (database versions not stated): gnomAD exomes 0.00974; ExAC 0.01155; gnomAD 0.03620 and 0.03885; ESP Exome Variant Server 0.03704; TOPMed 0.04059; 1000 Genomes Project 0.04073; 1000 Genomes Project 30x 0.04497.
gnomAD v4.1: 11,142 of 1,613,948 alleles (0.69%); highest among the groups gnomAD compares: African/African-American, 13%; 662 homozygotes.

Submissions (2):

GeneDx
Classification: Benign. Last evaluated: 2021-05-04. Review status: criteria provided, single submitter. Criteria: GeneDx Variant Classification Process June 2021. Collection method: clinical testing. Allele origin: germline. Affected: yes.

PreventionGenetics, part of Exact Sciences
Classification: Benign for BLTP1-related condition. Last evaluated: 2019-03-19. Review status: no assertion criteria provided. Collection method: clinical testing. Allele origin: germline. Not counted in ClinVar's aggregate classification.
Comment: This variant is classified as benign based on ACMG/AMP sequence variant interpretation guidelines (Richards et al. 2015 PMID: 25741868, with internal and published modifications).

NM_001384125.1(BLTP1):c.8787G>A (p.Gln2929=)

Gene: BLTP1 (bridge-like lipid transfer protein family member 1; plus strand). Cytogenetic location: 4q27.
Variant type: single nucleotide variant.
Coding change: c.8787G>A on transcript NM_001384125.1 (MANE Select); coding-DNA position 8787, G replaced by A.
Protein change: p.Gln2929=; no amino-acid change (glutamine 2929 retained).
Molecular consequence: synonymous variant.
Genome position (GRCh38, 1-based): chr4:122,279,970, G>A. VCF-style: chr4-122279970-G-A. GRCh37 (hg19) VCF-style: chr4-123201125-G-A.
Other names: c.8787G>A, p.Gln2929= (NM_015312.4).
Identifiers: ClinVar variation 1229405 (VCV001229405.6), dbSNP rs28651726, ClinGen allele CA3067231.